The following is an entry in ClinVar:

NM_001040108.2(MLH3):c.1595C>T (p.Thr532Ile)

Gene: MLH3 (mutL homolog 3; minus strand). Cytogenetic location: 14q24.3.
Variant type: single nucleotide variant.
Coding change: c.1595C>T on transcript NM_001040108.2 (MANE Select); coding-DNA position 1595, C replaced by T.
Protein change: p.Thr532Ile; replaces threonine 532 with isoleucine.
Molecular consequence: missense variant.
Genome position (GRCh38, 1-based): chr14:75,048,061, G>A on the plus strand (C>T on the coding strand, the complement: MLH3 is on the minus strand). VCF-style: chr14-75048061-G-A. GRCh37 (hg19) VCF-style: chr14-75514764-G-A.
Other names: c.1595C>T, p.Thr532Ile (NM_014381.3); short protein forms T532I.
Identifiers: ClinVar variation 1775996 (VCV001775996.3), dbSNP rs1892385402, ClinGen allele CA390444915.

ClinVar aggregate classification (germline): Uncertain significance (1 of 4 stars; one submission).

Allele frequency attached by ClinVar (database versions not stated): gnomAD exomes below 0.00001.
gnomAD v4.1: 1 of 1,614,020 alleles (0.000062%); highest among the groups gnomAD compares: Non-Finnish European, 0.000085%; no homozygotes.

Submission:

Ambry Genetics
Classification: Uncertain significance. Last evaluated: 2025-06-19. Review status: criteria provided, single submitter. Criteria: Ambry Variant Classification Scheme 2023. Collection method: clinical testing. Allele origin: germline.
Comment: The p.T532I variant (also known as c.1595C>T), located in coding exon 1 of the MLH3 gene, results from a C to T substitution at nucleotide position 1595. The threonine at codon 532 is replaced by isoleucine, an amino acid with similar properties. This amino acid position is conserved. In addition, this alteration is predicted to be tolerated by in silico analysis. Since supporting evidence is limited at this time, the clinical significance of this alteration remains unclear.